The following is an entry in ClinVar:

NM_001267550.2(TTN):c.56716dup (p.Glu18906fs)

Genes: TTN (titin; minus strand), TTN-AS1 (TTN antisense RNA 1; plus strand). Cytogenetic location: 2q31.2.
Variant type: Duplication.
Coding change: c.56716dup on transcript NM_001267550.2 (MANE Select); coding-DNA position 56716, one base duplicated (G; older notation c.56716dupG).
Protein change: p.Glu18906fs; shifts the reading frame from glutamic acid 18906.
Molecular consequence: frameshift variant.
Genome position (GRCh38, 1-based): chr2:178,598,994, C duplicated on the plus strand (G on the coding strand, the reverse complement: TTN is on the minus strand); the first of 3 consecutive C bases (chr2:178,598,994-178,598,996); duplicating any one gives the same sequence. VCF-style (leftmost placement, unchanged base first): chr2-178598993-T-TC. GRCh37 (hg19) VCF-style: chr2-179463720-T-TC.
Other names: c.51793dup, p.Glu17265fs (NM_001256850.1); c.29521dup, p.Glu9841fs (NM_003319.4); c.49012dup, p.Glu16338fs (NM_133378.4); c.29896dup, p.Glu9966fs (NM_133432.3); c.30097dup, p.Glu10033fs (NM_133437.4); c.29521dupG (NM_003319.4); short protein forms E9841fs, E9966fs, E10033fs, E16338fs, E17265fs, E18906fs.
Identifiers: ClinVar variation 5031507 (VCV005031507.1).

ClinVar aggregate classification (germline): Likely pathogenic (1 of 4 stars; one submission).

Conditions:
Cardiovascular phenotype. Identifiers: MedGen CN230736.

Submission:

Ambry Genetics
Classification: Likely pathogenic for Cardiovascular phenotype. Last evaluated: 2026-08-31. Review status: criteria provided, single submitter. Criteria: Ambry Variant Classification Scheme 2023. Collection method: clinical testing. Allele origin: germline.
Comment: The c.29521dupG variant, located in coding exon 118 of the TTN gene, results from a duplication of G at nucleotide position 29521, causing a translational frameshift with a predicted alternate stop codon (p.E9841Gfs*6). This exon is located in the A-band region of the N2-B isoform of the titin protein and is constitutively expressed in TTN transcripts (percent spliced in or PSI 100%). This variant is expected to result in loss of function by premature protein truncation or nonsense-mediated mRNA decay. While truncating variants in TTN are present in 1-3% of the general population, truncating variants in the A-band are the most common cause of dilated cardiomyopathy (Herman DS et al. N. Engl. J. Med., 2012 Feb;366:619-28; Roberts AM et al. Sci Transl Med, 2015 Jan;7:270ra6). TTN truncating variants encoded in constitutive exons (PSI >90%) have been found to be significantly associated with DCM regardless of their position in titin (Schafer S et al. Nat. Genet., 2017 01;49:46-53; Akhtar MM et al. Circ Heart Fail, 2020 Oct;13:e006832; Massier M et al. Clin Genet, 2025 Jan). This variant is considered to be rare based on population cohorts in the Genome Aggregation Database (gnomAD). Based on the majority of available evidence to date, this variant is likely to be pathogenic.